The following is an entry in ClinVar:

NM_000404.4(GLB1):c.424A>T (p.Lys142Ter)

Gene: GLB1 (galactosidase beta 1; minus strand). Cytogenetic location: 3p22.3.
Variant type: single nucleotide variant.
Coding change: c.424A>T on transcript NM_000404.4 (MANE Select); coding-DNA position 424, A replaced by T.
Protein change: p.Lys142Ter; replaces lysine 142 with a stop codon.
Molecular consequence: nonsense. On other transcripts: intron variant (1).
Genome position (GRCh38, 1-based): chr3:33,068,263, T>A on the plus strand (A>T on the coding strand, the complement: GLB1 is on the minus strand). VCF-style: chr3-33068263-T-A. GRCh37 (hg19) VCF-style: chr3-33109755-T-A.
Other names: c.334A>T, p.Lys112Ter (NM_001079811.3); c.568A>T, p.Lys190Ter (NM_001317040.2); c.424A>T, p.Lys142Ter (NM_001393580.1); c.246-2706A>T (NM_001135602.3); short protein forms K112*, K190*, K142*.
Identifiers: ClinVar variation 1395005 (VCV001395005.6), dbSNP rs776213501, ClinGen allele CA2299707.

ClinVar aggregate classification (germline): Pathogenic (1 of 4 stars; one submission).

Conditions:
Mucopolysaccharidosis, MPS-IV-B (MPS4B). Also called: MORQUIO SYNDROME B; Mucopolysaccharidosis Type IVB (Morquio B Disease); Mucopolysaccharidosis type 4B; Mucopolysaccharidosis type IVB (Morquio); MPS IVB; Mucopolysaccharidosis type IV B. Identifiers: Orphanet 309310, Orphanet 582, MedGen C0086652, MONDO:0009660, OMIM 253010.
GM1 gangliosidosis. Identifiers: Orphanet 354, MedGen C0085131, MONDO:0018149.

Allele frequency attached by ClinVar (database versions not stated): ExAC 0.00001.
gnomAD v4.1: 2 of 1,614,010 alleles (0.00012%); highest among the groups gnomAD compares: East Asian, 0.0045%; no homozygotes.

Submission:

Labcorp Genetics (formerly Invitae), Labcorp
Classification: Pathogenic for Mucopolysaccharidosis, MPS-IV-B; GM1 gangliosidosis. Last evaluated: 2024-02-19. Review status: criteria provided, single submitter. Criteria: Invitae Variant Classification Sherloc (09022015). Collection method: clinical testing. Allele origin: germline.
Comment: This sequence change creates a premature translational stop signal (p.Lys142*) in the GLB1 gene. It is expected to result in an absent or disrupted protein product. Loss-of-function variants in GLB1 are known to be pathogenic (PMID: 18524657). This variant is present in population databases (rs776213501, gnomAD 0.006%). This premature translational stop signal has been observed in individual(s) with GLB1-related conditions (PMID: 29439846, 29451896). ClinVar contains an entry for this variant (Variation ID: 1395005). Algorithms developed to predict the effect of sequence changes on RNA splicing suggest that this variant may disrupt the consensus splice site. For these reasons, this variant has been classified as Pathogenic.

Literature cited by the submitters: PubMed 18524657; PubMed 29439846; PubMed 29451896.